The following is an entry in ClinVar:

NM_032635.4(TMEM147):c.344+5G>A

Gene: TMEM147 (transmembrane protein 147; plus strand). Cytogenetic location: 19q13.12.
Variant type: single nucleotide variant.
Coding change: c.344+5G>A on transcript NM_032635.4 (MANE Select); 5 bases into the intron after coding-DNA position 344, G replaced by A.
Molecular consequence: intron variant.
Genome position (GRCh38, 1-based): chr19:35,546,813, G>A. VCF-style: chr19-35546813-G-A. GRCh37 (hg19) VCF-style: chr19-36037715-G-A.
Other names: IVS4DS, G-A, +5; c.197+5G>A (NM_001242597.2); c.207+228G>A (NM_001242598.2).
Identifiers: ClinVar variation 1708023 (VCV001708023.3), dbSNP rs749966973, ClinGen allele CA9380414.

ClinVar aggregate classification (germline): Pathogenic/Likely pathogenic. Review status: criteria provided, multiple submitters, no conflicts (2 of 4 stars). 3 submissions from 3 submitters: Pathogenic (1); Likely pathogenic (1). 1 of the submissions does not count toward it. Last evaluated 2024-05-09.

Conditions:
Abnormal facial shape. Also called: Dysmorphic facies; Dysmorphic facial features. Identifiers: MedGen C0424503, HP:0001999.
Absent speech. Also called: Absent speech development. Identifiers: MedGen C1854882, HP:0001344.
Severe intellectual disability. Identifiers: MedGen C0036857, HP:0010864.
Motor delay. Also called: Motor Developmental Delay; Motor retardation. Identifiers: HP:0006788, MedGen C1854301.
Poor speech. Identifiers: MedGen C1848207, HP:0002465.
Neurodevelopmental disorder with facial dysmorphism, absent language, and pseudo-pelger-huet anomaly. Identifiers: Orphanet 698085, MedGen C5774232, MONDO:0859298, OMIM 620075.

Allele frequency attached by ClinVar (database versions not stated): ExAC 0.00001; TOPMed 0.00001; gnomAD 0.00001; gnomAD exomes 0.00001.

Submissions (3):

GeneDx
Classification: Likely pathogenic. Last evaluated: 2024-05-09. Review status: criteria provided, single submitter. Criteria: GeneDx Variant Classification Process June 2021. Collection method: clinical testing. Allele origin: germline. Affected: yes.
Comment: Not observed at significant frequency in large population cohorts (gnomAD); Published functional studies suggest a damaging effect due to skipping of exon 4 (PMID: 36044892); This variant is associated with the following publications: (PMID: 36044892)

Equipe Genetique des Anomalies du Developpement, Université de Bourgogne
Classification: Pathogenic for Motor delay; Severe intellectual disability; Absent speech; Poor speech; Abnormal facial shape. Review status: criteria provided, single submitter. Criteria: ACMG Guidelines, 2015. Collection method: clinical testing. Allele origin: biparental. Affected: yes.

OMIM
Classification: Pathogenic for NEURODEVELOPMENTAL DISORDER WITH FACIAL DYSMORPHISM, ABSENT LANGUAGE, AND PSEUDO-PELGER-HUET ANOMALY. Last evaluated: 2022-10-19. Review status: no assertion criteria provided. Collection method: literature only. Allele origin: germline. Not counted in ClinVar's aggregate classification.

Literature cited by the submitters: PubMed 36044892 (cited by Equipe Genetique des Anomalies du Developpement, Université de Bourgogne and OMIM).